The following is an entry in ClinVar:

NM_006206.6(PDGFRA):c.1398C>T (p.Ala466=)

Gene: PDGFRA (platelet derived growth factor receptor alpha; plus strand). Cytogenetic location: 4q12.
Variant type: single nucleotide variant.
Coding change: c.1398C>T on transcript NM_006206.6 (MANE Select); coding-DNA position 1398, C replaced by T.
Protein change: p.Ala466=; no amino-acid change (alanine 466 retained).
Molecular consequence: synonymous variant.
Genome position (GRCh38, 1-based): chr4:54,273,570, C>T. VCF-style: chr4-54273570-C-T. GRCh37 (hg19) VCF-style: chr4-55139737-C-T.
Other names: c.1398C>T, p.Ala466= (NM_001347827.2, NM_001347829.2); c.1473C>T, p.Ala491= (NM_001347828.2); c.1437C>T, p.Ala479= (NM_001347830.2).
Identifiers: ClinVar variation 1771675 (VCV001771675.8), dbSNP rs2110291523, ClinGen allele CA439286984.

ClinVar aggregate classification (germline): Benign/Likely benign. Review status: criteria provided, multiple submitters, no conflicts (2 of 4 stars). 3 submissions from 3 submitters: Benign (1); Likely benign (2). Last evaluated 2026-06-17.

Conditions:
Polyps, multiple and recurrent inflammatory fibroid, gastrointestinal. Identifiers: MedGen C5193005, MONDO:0008285, OMIM 175510.
Hereditary cancer-predisposing syndrome. Also called: Neoplastic Syndromes, Hereditary; Tumor predisposition; Hereditary Cancer Syndrome; Hereditary neoplastic syndrome. Identifiers: Orphanet 140162, MedGen C0027672, MeSH D009386, MONDO:0015356.
Gastrointestinal stromal tumor. Also called: Gastrointestinal stromal tumor, somatic; Gastrointestinal stroma tumor. Identifiers: Orphanet 44890, MedGen C0238198, MeSH D046152, MONDO:0011719, OMIM 606764, HP:0100723.

Submissions (3):

Myriad Genetics, Inc.
Classification: Benign for Polyps, multiple and recurrent inflammatory fibroid, gastrointestinal. Last evaluated: 2026-06-17. Review status: criteria provided, single submitter. Criteria: Myriad Autosomal Dominant, Autosomal Recessive and X-Linked Classification Criteria (2023). Collection method: clinical testing. Allele origin: unknown.
Comment: This variant is considered benign. This variant is a silent/synonymous amino acid change and it is not expected to impact splicing.

Labcorp Genetics (formerly Invitae), Labcorp
Classification: Likely benign for Gastrointestinal stromal tumor. Last evaluated: 2026-01-20. Review status: criteria provided, single submitter. Criteria: Invitae Variant Classification Sherloc (09022015). Collection method: clinical testing. Allele origin: germline.

Ambry Genetics
Classification: Likely benign for Hereditary cancer-predisposing syndrome. Last evaluated: 2022-05-23. Review status: criteria provided, single submitter. Criteria: Ambry Variant Classification Scheme 2023. Collection method: clinical testing. Allele origin: germline.